The following is an entry in ClinVar:

NM_004525.3(LRP2):c.10165A>G (p.Ile3389Val)

Gene: LRP2 (LDL receptor related protein 2; minus strand). Cytogenetic location: 2q31.1.
Variant type: single nucleotide variant.
Coding change: c.10165A>G on transcript NM_004525.3 (MANE Select); coding-DNA position 10165, A replaced by G.
Protein change: p.Ile3389Val; replaces isoleucine 3389 with valine.
Molecular consequence: missense variant.
Genome position (GRCh38, 1-based): chr2:169,181,452, T>C on the plus strand (A>G on the coding strand, the complement: LRP2 is on the minus strand). VCF-style: chr2-169181452-T-C. GRCh37 (hg19) VCF-style: chr2-170037962-T-C.
Other names: short protein forms I3389V.
Identifiers: ClinVar variation 516156 (VCV000516156.86), dbSNP rs140272085, ClinGen allele CA1953420.

ClinVar aggregate classification (germline): Conflicting classifications of pathogenicity. Review status: criteria provided, conflicting classifications (1 of 4 stars). 13 submissions from 13 submitters: Uncertain significance (1); Benign (2); Likely benign (5). 5 of the submissions do not count toward it. Last evaluated 2026-01-28.

Conditions:
Donnai-Barrow syndrome. Also called: DBS/FOAR SYNDROME; FACIOOCULOACOUSTICORENAL SYNDROME. Identifiers: Orphanet 2143, MedGen C1857277, MONDO:0009104, OMIM 222448.
DSD incomplete virilization.
Inborn genetic diseases. Identifiers: MedGen C0950123, MeSH D030342.
LRP2-related disorder. Also called: LRP2-related condition.

Allele frequency attached by ClinVar (database versions not stated): ESP Exome Variant Server 0.00038; gnomAD 0.00055 and 0.00087; TOPMed 0.00066; gnomAD exomes 0.00118 and 0.00202; ExAC 0.00206; 1000 Genomes Project 30x 0.00297; 1000 Genomes Project 0.00300.
gnomAD v4.1: 1,912 of 1,613,946 alleles (0.12%); highest among the groups gnomAD compares: South Asian, 1%; 15 homozygotes.

Submissions (13):

Labcorp Genetics (formerly Invitae), Labcorp
Classification: Benign. Last evaluated: 2026-01-28. Review status: criteria provided, single submitter. Criteria: Invitae Variant Classification Sherloc (09022015). Collection method: clinical testing. Allele origin: germline.

GeneDx
Classification: Likely benign. Last evaluated: 2025-04-11. Review status: criteria provided, single submitter. Criteria: GeneDx Variant Classification Process June 2021. Collection method: clinical testing. Allele origin: germline. Affected: yes.
Comment: See Variant Classification Assertion Criteria.

Blueprint Genetics
Classification: Likely benign. Last evaluated: 2024-11-26. Review status: criteria provided, single submitter. Criteria: ACMG Guidelines, 2015. Collection method: clinical testing. Allele origin: germline.

CeGaT Center for Human Genetics Tuebingen
Classification: Benign. Last evaluated: 2024-11-01. Review status: criteria provided, single submitter. Criteria: CeGaT Center For Human Genetics Tuebingen Variant Classification Criteria Version 2. Collection method: clinical testing. Allele origin: germline. Affected: yes. Observed: 7 variant alleles.
Comment: LRP2: BS1, BS2

Ambry Genetics
Classification: Likely benign for Inborn genetic diseases. Last evaluated: 2021-09-16. Review status: criteria provided, single submitter. Criteria: Ambry Variant Classification Scheme 2023. Collection method: clinical testing. Allele origin: germline.

Genome-Nilou Lab
Classification: Likely benign for Donnai-Barrow syndrome. Last evaluated: 2021-07-15. Review status: criteria provided, single submitter. Criteria: ACMG Guidelines, 2015. Collection method: clinical testing. Allele origin: germline. Affected: no.

Genetic Services Laboratory, University of Chicago
Classification: Likely benign. Last evaluated: 2018-11-05. Review status: criteria provided, single submitter. Criteria: ACMG Guidelines, 2015. Collection method: clinical testing. Allele origin: germline. Affected: no.

Illumina Laboratory Services, Illumina
Classification: Uncertain significance for Donnai-Barrow syndrome. Last evaluated: 2017-04-27. Review status: criteria provided, single submitter. Criteria: ICSL Variant Classification Criteria 13 December 2019. Collection method: clinical testing. Allele origin: germline.
Comment: This variant was observed as part of a predisposition screen in an ostensibly healthy population. A literature search was performed for the gene, cDNA change, and amino acid change (where applicable). Publications were found based on this search. However, the evidence from the literature, in combination with allele frequency data from public databases where available, was not sufficient to rule this variant in or out of causing disease. Therefore, this variant is classified as a variant of unknown significance.

Ulrich Schweizer laboratory, Universitaetsklinikum Bonn
Classification: Likely benign for DSD incomplete virilization. Last evaluated: 2021-09-01. Review status: no assertion criteria provided. Collection method: clinical testing. Allele origin: unknown. Affected: yes. Not counted in ClinVar's aggregate classification.

PreventionGenetics, part of Exact Sciences
Classification: Benign for LRP2-related condition. Last evaluated: 2019-06-03. Review status: no assertion criteria provided. Collection method: clinical testing. Allele origin: germline. Not counted in ClinVar's aggregate classification.
Comment: This variant is classified as benign based on ACMG/AMP sequence variant interpretation guidelines (Richards et al. 2015 PMID: 25741868, with internal and published modifications).

Clinical Genetics DNA and cytogenetics Diagnostics Lab, Erasmus MC, Erasmus Medical Center
Classification: Uncertain significance. Review status: no assertion criteria provided. Collection method: clinical testing. Allele origin: germline. Affected: yes. Study: VKGL Data-share Consensus. Not counted in ClinVar's aggregate classification.

Joint Genome Diagnostic Labs from Nijmegen and Maastricht, Radboudumc and MUMC+
Classification: Uncertain significance. Review status: no assertion criteria provided. Collection method: clinical testing. Allele origin: germline. Affected: yes. Study: VKGL Data-share Consensus. Not counted in ClinVar's aggregate classification.

Laboratory of Diagnostic Genome Analysis, Leiden University Medical Center (LUMC)
Classification: Uncertain significance. Review status: no assertion criteria provided. Collection method: clinical testing. Allele origin: germline. Affected: yes. Study: VKGL Data-share Consensus. Not counted in ClinVar's aggregate classification.

Literature cited by the submitters: PubMed 20359920 (cited by Illumina Laboratory Services, Illumina); PubMed 34979047 (cited by Ulrich Schweizer laboratory, Universitaetsklinikum Bonn).